The following is an entry in ClinVar:

ClinVar aggregate classification (germline): Likely benign. Review status: criteria provided, multiple submitters, no conflicts (2 of 4 stars). 3 submissions from 3 submitters: Likely benign (3). Last evaluated 2024-12-02.

Conditions:
Cortical dysplasia-focal epilepsy syndrome (PTHSL1). Also called: Pitt-Hopkins-like syndrome 1. Identifiers: Orphanet 163681, Orphanet 221150, MedGen C2750246, MONDO:0012400, OMIM 610042.
Inborn genetic diseases. Identifiers: MedGen C0950123, MeSH D030342.

Allele frequency attached by ClinVar (database versions not stated): TOPMed below 0.00001; gnomAD 0.00001 and 0.00003; gnomAD exomes 0.00004; ExAC 0.00008; 1000 Genomes Project 30x 0.00031; 1000 Genomes Project 0.00040.
gnomAD v4.1: 147 of 1,614,124 alleles (0.0091%); highest among the groups gnomAD compares: East Asian, 0.32%; 1 homozygote.

Submissions (3):

Labcorp Genetics (formerly Invitae), Labcorp
Classification: Likely benign for Cortical dysplasia-focal epilepsy syndrome. Last evaluated: 2024-12-02. Review status: criteria provided, single submitter. Criteria: Invitae Variant Classification Sherloc (09022015). Collection method: clinical testing. Allele origin: germline.

Ambry Genetics
Classification: Likely benign for Inborn genetic diseases. Last evaluated: 2019-05-03. Review status: criteria provided, single submitter. Criteria: Ambry Variant Classification Scheme 2023. Collection method: clinical testing. Allele origin: germline.

GeneDx
Classification: Likely benign. Last evaluated: 2017-06-02. Review status: criteria provided, single submitter. Criteria: GeneDx Variant Classification (06012015). Collection method: clinical testing. Allele origin: germline. Affected: yes.
Comment: This variant is considered likely benign or benign based on one or more of the following criteria: it is a conservative change, it occurs at a poorly conserved position in the protein, it is predicted to be benign by multiple in silico algorithms, and/or has population frequency not consistent with disease.

NM_014141.6(CNTNAP2):c.3834C>T (p.Thr1278=)

Gene: CNTNAP2 (contactin associated protein 2; plus strand). Cytogenetic location: 7q36.1.
Variant type: single nucleotide variant.
Coding change: c.3834C>T on transcript NM_014141.6 (MANE Select); coding-DNA position 3834, C replaced by T.
Protein change: p.Thr1278=; no amino-acid change (threonine 1278 retained).
Molecular consequence: synonymous variant.
Genome position (GRCh38, 1-based): chr7:148,415,454, C>T. VCF-style: chr7-148415454-C-T. GRCh37 (hg19) VCF-style: chr7-148112546-C-T.
Identifiers: ClinVar variation 509822 (VCV000509822.12), dbSNP rs147111339, ClinGen allele CA4546819.
Genomic context (GRCh38, chr7:148,415,454, plus strand): 5'-CGTGCTTCTCCTTTCTCCGTCAGGCGTCATTGCTGTGGTGATTTTCACCATCCTGTGCAC[C>T]CTGGTCTTCCTGATCCGGTACATGTTCCGCCACAAGGGCACCTACCATACCAACGAAGCA-3'
Protein context (NP_054860.1, residues 1268-1288): IAVVIFTILC[Thr1278=]LVFLIRYMFR